The following is an entry in ClinVar:

ClinVar aggregate classification (germline): Uncertain significance. Review status: criteria provided, multiple submitters, no conflicts (2 of 4 stars). 3 submissions from 3 submitters: Uncertain significance (3). Last evaluated 2026-04-22.

Conditions:
Myofibrillar myopathy 5. Also called: Filaminopathy (type); FILAMINOPATHY, AUTOSOMAL DOMINANT. Identifiers: Orphanet 171445, MedGen C1836050, MONDO:0012289, OMIM 609524.
Distal myopathy with posterior leg and anterior hand involvement. Also called: WILLIAMS DISTAL MYOPATHY. Identifiers: Orphanet 63273, MedGen C3279722, MONDO:0013550, OMIM 614065.
Hypertrophic cardiomyopathy 26. Also called: Cardiomyopathy, familial hypertrophic, 26. Identifiers: Orphanet 75249, MedGen C4310749, MONDO:0014883, OMIM 617047.
Dilated Cardiomyopathy, Dominant.
Cardiovascular phenotype. Identifiers: MedGen CN230736.

Allele frequency attached by ClinVar (database versions not stated): gnomAD exomes 0.00002 and 0.00001; TOPMed below 0.00001; ExAC 0.00001.
gnomAD v4.1: 22 of 1,613,854 alleles (0.0014%); highest among the groups gnomAD compares: Non-Finnish European, 0.0018%; no homozygotes.

Submissions (3):

Dasa
Classification: Uncertain significance. Last evaluated: 2026-04-22. Review status: criteria provided, single submitter. Criteria: DASA Assertion Criteria. Collection method: clinical testing. Allele origin: germline.
Comment: NM_001458.5(FLNC):c.2179C>T (p.Arg727Cys) is a missense variant that results in the substitution of arginine with cysteine. This variant is rare in population databases. The currently available literature and clinical evidence are not sufficient to establish a definitive association between this variant and the reported condition. Therefore, this variant is classified as a variant of uncertain significance.

Ambry Genetics
Classification: Uncertain significance for Cardiovascular phenotype. Last evaluated: 2025-06-09. Review status: criteria provided, single submitter. Criteria: Ambry Variant Classification Scheme 2023. Collection method: clinical testing. Allele origin: germline.
Comment: The p.R727C variant (also known as c.2179C>T), located in coding exon 14 of the FLNC gene, results from a C to T substitution at nucleotide position 2179. The arginine at codon 727 is replaced by cysteine, an amino acid with highly dissimilar properties. This amino acid position is not well conserved in available vertebrate species. In addition, this alteration is predicted to be tolerated by in silico analysis. Based on the available evidence, the clinical significance of this variant remains unclear.

Labcorp Genetics (formerly Invitae), Labcorp
Classification: Uncertain significance for Distal myopathy with posterior leg and anterior hand involvement; Myofibrillar myopathy 5; Hypertrophic cardiomyopathy 26. Last evaluated: 2024-08-14. Review status: criteria provided, single submitter. Criteria: Invitae Variant Classification Sherloc (09022015). Collection method: clinical testing. Allele origin: germline.
Comment: This sequence change replaces arginine, which is basic and polar, with cysteine, which is neutral and slightly polar, at codon 727 of the FLNC protein (p.Arg727Cys). This variant is present in population databases (rs752627571, gnomAD 0.002%). This variant has not been reported in the literature in individuals affected with FLNC-related conditions. ClinVar contains an entry for this variant (Variation ID: 1001523). Invitae Evidence Modeling of protein sequence and biophysical properties (such as structural, functional, and spatial information, amino acid conservation, physicochemical variation, residue mobility, and thermodynamic stability) has been performed for this missense variant. However, the output from this modeling did not meet the statistical confidence thresholds required to predict the impact of this variant on FLNC protein function. In summary, the available evidence is currently insufficient to determine the role of this variant in disease. Therefore, it has been classified as a Variant of Uncertain Significance.

NM_001458.5(FLNC):c.2179C>T (p.Arg727Cys)

Gene: FLNC (filamin C; plus strand). Cytogenetic location: 7q32.1.
Variant type: single nucleotide variant.
Coding change: c.2179C>T on transcript NM_001458.5 (MANE Select); coding-DNA position 2179, C replaced by T.
Protein change: p.Arg727Cys; replaces arginine 727 with cysteine.
Molecular consequence: missense variant.
Genome position (GRCh38, 1-based): chr7:128,842,288, C>T. VCF-style: chr7-128842288-C-T. GRCh37 (hg19) VCF-style: chr7-128482342-C-T.
Other names: c.2179C>T, p.Arg727Cys (NM_001127487.2); c.2179C>T (NM_001458.4); short protein forms R727C.
Identifiers: ClinVar variation 1001523 (VCV001001523.8), dbSNP rs752627571, ClinGen allele CA4474630.